The following is an entry in ClinVar:

ClinVar aggregate classification (germline): Uncertain significance. Review status: criteria provided, multiple submitters, no conflicts (2 of 4 stars). 3 submissions from 3 submitters: Uncertain significance (3). Last evaluated 2024-10-30.

Conditions:
Microcephaly, growth deficiency, seizures, and brain malformations. Identifiers: MedGen C5193042, MONDO:0032690, OMIM 618346.
Inborn genetic diseases. Identifiers: MedGen C0950123, MeSH D030342.

Allele frequency attached by ClinVar (database versions not stated): TOPMed 0.00014; ESP Exome Variant Server 0.00015; gnomAD exomes 0.00015; ExAC 0.00017; gnomAD 0.00019.
gnomAD v4.1: 240 of 1,613,454 alleles (0.015%); highest among the groups gnomAD compares: South Asian, 0.02%; no homozygotes.

Submissions (3):

Labcorp Genetics (formerly Invitae), Labcorp
Classification: Uncertain significance. Last evaluated: 2024-10-30. Review status: criteria provided, single submitter. Criteria: Invitae Variant Classification Sherloc (09022015). Collection method: clinical testing. Allele origin: germline.
Comment: This sequence change replaces threonine, which is neutral and polar, with alanine, which is neutral and non-polar, at codon 25 of the WDR4 protein (p.Thr25Ala). This variant is present in population databases (rs140624673, gnomAD 0.03%). This variant has not been reported in the literature in individuals affected with WDR4-related conditions. ClinVar contains an entry for this variant (Variation ID: 1098684). An algorithm developed to predict the effect of missense changes on protein structure and function (PolyPhen-2) suggests that this variant¬†is likely to be tolerated. In summary, the available evidence is currently insufficient to determine the role of this variant in disease. Therefore, it has been classified as a Variant of Uncertain Significance.

Ambry Genetics
Classification: Uncertain significance for Inborn genetic diseases. Last evaluated: 2023-12-31. Review status: criteria provided, single submitter. Criteria: Ambry Variant Classification Scheme 2023. Collection method: clinical testing. Allele origin: germline.

New York Genome Center
Classification: Uncertain significance for Microcephaly, growth deficiency, seizures, and brain malformations. Last evaluated: 2020-06-26. Review status: criteria provided, single submitter. Criteria: NYGC Assertion Criteria 2020. Collection method: clinical testing. Allele origin: germline. Observed: 1 heterozygote. Study: CSER-NYCKidSeq.

NM_018669.6(WDR4):c.73A>G (p.Thr25Ala)

Gene: WDR4 (WDR4 tRNA N7-guanosine methyltransferase non-catalytic subunit; minus strand). Cytogenetic location: 21q22.3.
Variant type: single nucleotide variant.
Coding change: c.73A>G on transcript NM_018669.6 (MANE Select); coding-DNA position 73, A replaced by G.
Protein change: p.Thr25Ala; replaces threonine 25 with alanine.
Molecular consequence: missense variant. On other transcripts: 5 prime UTR variant (2), intron variant (1).
Genome position (GRCh38, 1-based): chr21:42,879,423, T>C on the plus strand (A>G on the coding strand, the complement: WDR4 is on the minus strand). VCF-style: chr21-42879423-T-C. GRCh37 (hg19) VCF-style: chr21-44299533-T-C.
Other names: c.73A>G, p.Thr25Ala (NM_001260474.2, NM_033661.5); c.-314A>G (NM_001260475.2); c.-729A>G (NM_001260477.2); c.-298+90A>G (NM_001260476.2); c.73A>G (NM_018669.4); short protein forms T25A.
Identifiers: ClinVar variation 1098684 (VCV001098684.5), dbSNP rs140624673, ClinGen allele CA10046304.
Genomic context (GRCh38, chr21:42,879,423, plus strand): 5'-GCCCGCAGCCTGGTCTCCCTGTTCCAAGACCAAGGCCCCCTCACCTGCTTGCTATGGAGG[T>C]GGCCAGGAATCGGCTGCCGCCCCGCACCACCAACGTCTGCCCGCACAACGCCAGTCCCAC-3'
Protein context (NP_061139.2, residues 15-35): VVRGGSRFLA[Thr25Ala]SIASSDDDSL